The following is an entry in ClinVar:

ClinVar aggregate classification (germline): Uncertain significance (1 of 4 stars; one submission).

Conditions:
Idiopathic generalized epilepsy. Also called: Generalised epilepsy; EIG. Identifiers: MedGen C0270850, MONDO:0005579, OMIM 600669.

Allele frequency attached by ClinVar (database versions not stated): gnomAD exomes below 0.00001.
gnomAD v4.1: 1 of 1,548,490 alleles (0.000065%); highest among the groups gnomAD compares: Non-Finnish European, 0.000087%; no homozygotes.

Submission:

Labcorp Genetics (formerly Invitae), Labcorp
Classification: Uncertain significance for Idiopathic generalized epilepsy. Last evaluated: 2021-03-26. Review status: criteria provided, single submitter. Criteria: Invitae Variant Classification Sherloc (09022015). Collection method: clinical testing. Allele origin: germline.
Comment: In summary, the available evidence is currently insufficient to determine the role of this variant in disease. Therefore, it has been classified as a Variant of Uncertain Significance. Algorithms developed to predict the effect of missense changes on protein structure and function are either unavailable or do not agree on the potential impact of this missense change (SIFT: "Tolerated"; PolyPhen-2: "Possibly Damaging"; Align-GVGD: "Class C0"). This variant has not been reported in the literature in individuals with RBFOX3-related conditions. The frequency data for this variant in the population databases is considered unreliable, as metrics indicate insufficient coverage at this position in the ExAC database. This sequence change replaces alanine with proline at codon 221 of the RBFOX3 protein (p.Ala221Pro). The alanine residue is highly conserved and there is a small physicochemical difference between alanine and proline.

NM_001350451.2(RBFOX3):c.661G>C (p.Ala221Pro)

Gene: RBFOX3 (RNA binding fox-1 homolog 3; minus strand). Cytogenetic location: 17q25.3.
Variant type: single nucleotide variant.
Coding change: c.661G>C on transcript NM_001350451.2 (MANE Select); coding-DNA position 661, G replaced by C.
Protein change: p.Ala221Pro; replaces alanine 221 with proline.
Molecular consequence: missense variant.
Genome position (GRCh38, 1-based): chr17:79,097,386, C>G on the plus strand (G>C on the coding strand, the complement: RBFOX3 is on the minus strand). VCF-style: chr17-79097386-C-G. GRCh37 (hg19) VCF-style: chr17-77093468-C-G.
Other names: c.514G>C, p.Ala172Pro (NM_001385847.1); c.661G>C, p.Ala221Pro (NM_001082575.3, NM_001350453.2, NM_001385804.1 and 33 more transcripts); c.658G>C, p.Ala220Pro (NM_001385806.1, NM_001385822.1, NM_001385823.1 and 4 more transcripts); c.568G>C, p.Ala190Pro (NM_001385824.1); c.682G>C, p.Ala228Pro (NM_001385827.1); short protein forms A172P, A190P, A221P, A228P, A220P.
Identifiers: ClinVar variation 1520191 (VCV001520191.8), dbSNP rs2146313081, ClinGen allele CA401316540.